The following is an entry in ClinVar:

NM_000492.4(CFTR):c.1585-9T>C

Genes: CFTR (CF transmembrane conductance regulator; plus strand), LOC111674475 (CFTR intron 11 enhancer; plus strand). Cytogenetic location: 7q31.2.
Variant type: single nucleotide variant.
Coding change: c.1585-9T>C on transcript NM_000492.4 (MANE Select); 9 bases into the intron before coding-DNA position 1585, T replaced by C.
Molecular consequence: intron variant.
Genome position (GRCh38, 1-based): chr7:117,587,730, T>C. VCF-style: chr7-117587730-T-C. GRCh37 (hg19) VCF-style: chr7-117227784-T-C.
Identifiers: ClinVar variation 557436 (VCV000557436.6), dbSNP rs397508234, ClinGen allele CA577221921.

ClinVar aggregate classification (germline): Uncertain significance. Review status: criteria provided, multiple submitters, no conflicts (2 of 4 stars). 3 submissions from 3 submitters: Uncertain significance (2). 1 of the submissions does not count toward it. Last evaluated 2024-04-16.

Conditions:
Cystic fibrosis (CF). Also called: MUCOVISCIDOSIS. Identifiers: Orphanet 586, MedGen C0010674, MONDO:0009061, OMIM 219700. Disease mechanism: loss of function.

Allele frequency attached by ClinVar (database versions not stated): TOPMed below 0.00001; gnomAD exomes below 0.00001.
gnomAD v4.1: 6 of 1,547,872 alleles (0.00039%); highest among the groups gnomAD compares: Non-Finnish European, 0.00054%; no homozygotes.

Submissions (3):

Women's Health and Genetics/Laboratory Corporation of America, LabCorp
Classification: Uncertain significance. Last evaluated: 2024-04-16. Review status: criteria provided, single submitter. Criteria: LabCorp Variant Classification Summary - May 2015. Collection method: clinical testing. Allele origin: germline.
Comment: Variant summary: CFTR c.1585-9T>C alters a non-conserved nucleotide located at a position not widely known to affect splicing. Consensus agreement among computation tools predict no significant impact on normal splicing. At least one publication reports experimental evidence that a complex allele including this variant and a missense variant in cis affects mRNA splicing (Tzetis_2001). The variant allele was found at a frequency of 4e-06 in 250784 control chromosomes (gnomAD). To our knowledge, no occurrence of c.1585-9T>C in individuals affected with Cystic Fibrosis has been reported. The following publication has been ascertained in the context of this evaluation (PMID: 11810271). ClinVar contains an entry for this variant (Variation ID: 557436). Based on the evidence outlined above, the variant was classified as uncertain significance.

Labcorp Genetics (formerly Invitae), Labcorp
Classification: Uncertain significance for Cystic fibrosis. Last evaluated: 2023-09-27. Review status: criteria provided, single submitter. Criteria: Invitae Variant Classification Sherloc (09022015). Collection method: clinical testing. Allele origin: germline.
Comment: In summary, the available evidence is currently insufficient to determine the role of this variant in disease. Therefore, it has been classified as a Variant of Uncertain Significance. Algorithms developed to predict the effect of sequence changes on RNA splicing suggest that this variant is not likely to affect RNA splicing. ClinVar contains an entry for this variant (Variation ID: 557436). This variant is also known as 1717-9 T>C. This variant has not been reported in the literature in individuals affected with CFTR-related conditions. The frequency data for this variant in the population databases is considered unreliable, as metrics indicate poor data quality at this position in the gnomAD database. This sequence change falls in intron 11 of the CFTR gene. It does not directly change the encoded amino acid sequence of the CFTR protein.

Counsyl
Classification: Uncertain significance for Cystic fibrosis. Last evaluated: 2018-03-30. Review status: no assertion criteria provided. Collection method: clinical testing. Allele origin: unknown. Not counted in ClinVar's aggregate classification.

Literature cited by the submitters: PubMed 11810271 (cited by Women's Health and Genetics/Laboratory Corporation of America, LabCorp and Counsyl).